The following is an entry in ClinVar:

ClinVar aggregate classification (germline): Uncertain significance. Review status: criteria provided, multiple submitters, no conflicts (2 of 4 stars). 2 submissions from 2 submitters: Uncertain significance (2). Last evaluated 2025-08-27.

Allele frequency attached by ClinVar (database versions not stated): ExAC 0.00002; gnomAD exomes 0.00002; TOPMed 0.00002; gnomAD 0.00003 and 0.00004.

Submissions (2):

Ambry Genetics
Classification: Uncertain significance. Last evaluated: 2025-08-27. Review status: criteria provided, single submitter. Criteria: Ambry Variant Classification Scheme 2023. Collection method: clinical testing. Allele origin: germline.

Labcorp Genetics (formerly Invitae), Labcorp
Classification: Uncertain significance. Last evaluated: 2021-11-30. Review status: criteria provided, single submitter. Criteria: Invitae Variant Classification Sherloc (09022015). Collection method: clinical testing. Allele origin: germline.
Comment: In summary, the available evidence is currently insufficient to determine the role of this variant in disease. Therefore, it has been classified as a Variant of Uncertain Significance. This sequence change replaces alanine, which is neutral and non-polar, with valine, which is neutral and non-polar, at codon 259 of the GNMT protein (p.Ala259Val). This variant is present in population databases (rs751469312, gnomAD 0.006%). This variant has not been reported in the literature in individuals affected with GNMT-related conditions. Algorithms developed to predict the effect of missense changes on protein structure and function are either unavailable or do not agree on the potential impact of this missense change (SIFT: "Not Available"; PolyPhen-2: "Benign"; Align-GVGD: "Not Available").

NM_018960.6(GNMT):c.776C>T (p.Ala259Val)

Genes: CNPY3-GNMT (CNPY3-GNMT readthrough; plus strand), GNMT (glycine N-methyltransferase; plus strand). Cytogenetic location: 6p21.1.
Variant type: single nucleotide variant.
Coding change: c.776C>T on transcript NM_018960.6 (MANE Select); coding-DNA position 776, C replaced by T.
Protein change: p.Ala259Val; replaces alanine 259 with valine.
Molecular consequence: missense variant. On other transcripts: non-coding transcript variant (4).
Genome position (GRCh38, 1-based): chr6:42,963,594, C>T. VCF-style: chr6-42963594-C-T. GRCh37 (hg19) VCF-style: chr6-42931332-C-T.
Other names: c.578C>T, p.Ala193Val (NM_001318856.2); c.593C>T, p.Ala198Val (NM_001318857.2); c.485C>T, p.Ala162Val (NM_001318858.2); c.719C>T, p.Ala240Val (NM_001318865.2); c.776C>T (NM_018960.4); short protein forms A162V, A240V, A259V, A193V, A198V.
Identifiers: ClinVar variation 1484481 (VCV001484481.7), dbSNP rs751469312, ClinGen allele CA3810807.